The following is an entry in ClinVar:

NM_017654.4(SAMD9):c.2988G>C (p.Leu996Phe)

Gene: SAMD9 (sterile alpha motif domain containing 9; minus strand). Cytogenetic location: 7q21.2.
Variant type: single nucleotide variant.
Coding change: c.2988G>C on transcript NM_017654.4 (MANE Select); coding-DNA position 2988, G replaced by C.
Protein change: p.Leu996Phe; replaces leucine 996 with phenylalanine.
Molecular consequence: missense variant.
Genome position (GRCh38, 1-based): chr7:93,103,110, C>G on the plus strand (G>C on the coding strand, the complement: SAMD9 is on the minus strand). VCF-style: chr7-93103110-C-G. GRCh37 (hg19) VCF-style: chr7-92732423-C-G.
Other names: c.2988G>C, p.Leu996Phe (NM_001193307.2); short protein forms L996F.
Identifiers: ClinVar variation 3689754 (VCV003689754.2).

ClinVar aggregate classification (germline): Uncertain significance (1 of 4 stars; one submission).

Submission:

Labcorp Genetics (formerly Invitae), Labcorp
Classification: Uncertain significance. Last evaluated: 2024-04-05. Review status: criteria provided, single submitter. Criteria: Invitae Variant Classification Sherloc (09022015). Collection method: clinical testing. Allele origin: germline.
Comment: This sequence change replaces leucine, which is neutral and non-polar, with phenylalanine, which is neutral and non-polar, at codon 996 of the SAMD9 protein (p.Leu996Phe). This variant is not present in population databases (gnomAD no frequency). This variant has not been reported in the literature in individuals affected with SAMD9-related conditions. Advanced modeling of protein sequence and biophysical properties (such as structural, functional, and spatial information, amino acid conservation, physicochemical variation, residue mobility, and thermodynamic stability) has been performed at Invitae for this missense variant, however the output from this modeling did not meet the statistical confidence thresholds required to predict the impact of this variant on SAMD9 protein function. In summary, the available evidence is currently insufficient to determine the role of this variant in disease. Therefore, it has been classified as a Variant of Uncertain Significance.